The following is an entry in ClinVar:

NM_020759.3(STARD9):c.7246A>G (p.Met2416Val)

Gene: STARD9 (StAR related lipid transfer domain containing 9; plus strand). Cytogenetic location: 15q15.2.
Variant type: single nucleotide variant.
Coding change: c.7246A>G on transcript NM_020759.3 (MANE Select); coding-DNA position 7246, A replaced by G.
Protein change: p.Met2416Val; replaces methionine 2416 with valine.
Molecular consequence: missense variant.
Genome position (GRCh38, 1-based): chr15:42,688,824, A>G. VCF-style: chr15-42688824-A-G. GRCh37 (hg19) VCF-style: chr15-42981022-A-G.
Other names: short protein forms M2416V.
Identifiers: ClinVar variation 3058964 (VCV003058964.2), dbSNP rs28744617, ClinGen allele CA7514513.

ClinVar aggregate classification (germline): Benign (0 of 4 stars; one submission).

Conditions:
STARD9-related disorder. Also called: STARD9-related condition.

Allele frequency attached by ClinVar (database versions not stated): TOPMed 0.25576; 1000 Genomes Project 0.25859; gnomAD 0.26213; 1000 Genomes Project 30x 0.26515; ESP Exome Variant Server 0.26621; ExAC 0.30882.
gnomAD v4.1: 357,395 of 1,537,006 alleles (23%); highest among the groups gnomAD compares: South Asian, 37%; 44,739 homozygotes.

Submission:

PreventionGenetics, part of Exact Sciences
Classification: Benign for STARD9-related condition. Last evaluated: 2019-10-22. Review status: no assertion criteria provided. Collection method: clinical testing. Allele origin: germline.
Comment: This variant is classified as benign based on ACMG/AMP sequence variant interpretation guidelines (Richards et al. 2015 PMID: 25741868, with internal and published modifications).